The following is an entry in ClinVar:

NM_005918.4(MDH2):c.18C>T (p.Ala6=)

Gene: MDH2 (malate dehydrogenase 2; plus strand). Cytogenetic location: 7q11.23.
Variant type: single nucleotide variant.
Coding change: c.18C>T on transcript NM_005918.4 (MANE Select); coding-DNA position 18, C replaced by T.
Protein change: p.Ala6=; no amino-acid change (alanine 6 retained).
Molecular consequence: synonymous variant. On other transcripts: 5 prime UTR variant (1), non-coding transcript variant (1).
Genome position (GRCh38, 1-based): chr7:76,048,178, C>T. VCF-style: chr7-76048178-C-T. GRCh37 (hg19) VCF-style: chr7-75677496-C-T.
Other names: c.18C>T, p.Ala6= (NM_001282403.2); c.-135C>T (NM_001282404.2).
Identifiers: ClinVar variation 1782268 (VCV001782268.29), dbSNP rs782164962, ClinGen allele CA456072030.

ClinVar aggregate classification (germline): Likely benign. Review status: criteria provided, multiple submitters, no conflicts (2 of 4 stars). 2 submissions from 2 submitters: Likely benign (2). Last evaluated 2023-04-01.

Conditions:
Inborn genetic diseases. Identifiers: MedGen C0950123, MeSH D030342.

Allele frequency attached by ClinVar (database versions not stated): TOPMed below 0.00001.

Submissions (2):

CeGaT Center for Human Genetics Tuebingen
Classification: Likely benign. Last evaluated: 2023-04-01. Review status: criteria provided, single submitter. Criteria: CeGaT Center For Human Genetics Tuebingen Variant Classification Criteria Version 2. Collection method: clinical testing. Allele origin: germline. Affected: yes. Observed: 1 variant allele.
Comment: MDH2: PM2:Supporting, BP4, BP7

Ambry Genetics
Classification: Likely benign for Inborn genetic diseases. Last evaluated: 2021-01-16. Review status: criteria provided, single submitter. Criteria: Ambry Variant Classification Scheme 2023. Collection method: clinical testing. Allele origin: germline.